The following is an entry in ClinVar:

ClinVar aggregate classification (germline): Uncertain significance (1 of 4 stars; one submission).

Submission:

Labcorp Genetics (formerly Invitae), Labcorp
Classification: Uncertain significance. Last evaluated: 2025-08-20. Review status: criteria provided, single submitter. Criteria: Invitae Variant Classification Sherloc (09022015). Collection method: clinical testing. Allele origin: germline.
Comment: This sequence change replaces valine, which is neutral and non-polar, with methionine, which is neutral and non-polar, at codon 613 of the SCN3A protein (p.Val613Met). This variant is not present in population databases (gnomAD no frequency). This variant has not been reported in the literature in individuals affected with SCN3A-related conditions. Invitae Evidence Modeling of protein sequence and biophysical properties (such as structural, functional, and spatial information, amino acid conservation, physicochemical variation, residue mobility, and thermodynamic stability) indicates that this missense variant is not expected to disrupt SCN3A protein function with a negative predictive value of 95%. In summary, the available evidence is currently insufficient to determine the role of this variant in disease. Therefore, it has been classified as a Variant of Uncertain Significance.

NM_006922.4(SCN3A):c.1837G>A (p.Val613Met)

Gene: SCN3A (sodium voltage-gated channel alpha subunit 3; minus strand). Cytogenetic location: 2q24.3.
Variant type: single nucleotide variant.
Coding change: c.1837G>A on transcript NM_006922.4 (MANE Select); coding-DNA position 1837, G replaced by A.
Protein change: p.Val613Met; replaces valine 613 with methionine.
Molecular consequence: missense variant.
Genome position (GRCh38, 1-based): chr2:165,140,833, C>T on the plus strand (G>A on the coding strand, the complement: SCN3A is on the minus strand). VCF-style: chr2-165140833-C-T. GRCh37 (hg19) VCF-style: chr2-165997343-C-T.
Other names: c.1837G>A, p.Val613Met (NM_001081676.2, NM_001081677.2); short protein forms V613M.
Identifiers: ClinVar variation 4745733 (VCV004745733.1).
Genomic context (GRCh38, chr2:165,140,833, plus strand): 5'-TGGATGACATACTGGCCTGACTAACGTTACTGTTGCGTCGCTCTCCATGTCTGTGCGGCA[C>T]AAACAGTGAGTCTCTCCTGCTTTCGCTGTCTTCAAATGTGCTGTGTTCATCATCAGCAAA-3'
Protein context (NP_008853.3, residues 603-623): DSESRRDSLF[Val613Met]PHRHGERRNS